The following is an entry in ClinVar:

ClinVar aggregate classification (germline): Uncertain significance (1 of 4 stars; one submission).

Conditions:
Maple syrup urine disease (MSUD). Identifiers: Orphanet 511, MedGen C0024776, MeSH D008375, MONDO:0009563. Disease mechanism: loss of function.

Allele frequency attached by ClinVar (database versions not stated): gnomAD exomes below 0.00001; TOPMed below 0.00001; gnomAD 0.00001.
gnomAD v4.1: 3 of 1,580,340 alleles (0.00019%); highest among the groups gnomAD compares: African/African-American, 0.004%; no homozygotes.

Submission:

Labcorp Genetics (formerly Invitae), Labcorp
Classification: Uncertain significance for Maple syrup urine disease. Last evaluated: 2024-10-16. Review status: criteria provided, single submitter. Criteria: Invitae Variant Classification Sherloc (09022015). Collection method: clinical testing. Allele origin: germline.
Comment: This sequence change replaces arginine, which is basic and polar, with lysine, which is basic and polar, at codon 77 of the DBT protein (p.Arg77Lys). This variant is present in population databases (no rsID available, gnomAD 0.01%). This variant has not been reported in the literature in individuals affected with DBT-related conditions. ClinVar contains an entry for this variant (Variation ID: 2171770). Invitae Evidence Modeling of protein sequence and biophysical properties (such as structural, functional, and spatial information, amino acid conservation, physicochemical variation, residue mobility, and thermodynamic stability) indicates that this missense variant is not expected to disrupt DBT protein function with a negative predictive value of 95%. In summary, the available evidence is currently insufficient to determine the role of this variant in disease. Therefore, it has been classified as a Variant of Uncertain Significance.

NM_001918.5(DBT):c.230G>A (p.Arg77Lys)

Gene: DBT (dihydrolipoamide branched chain transacylase E2; minus strand). Cytogenetic location: 1p21.2.
Variant type: single nucleotide variant.
Coding change: c.230G>A on transcript NM_001918.5 (MANE Select); coding-DNA position 230, G replaced by A.
Protein change: p.Arg77Lys; replaces arginine 77 with lysine.
Molecular consequence: missense variant. On other transcripts: 5 prime UTR variant (2), non-coding transcript variant (4).
Genome position (GRCh38, 1-based): chr1:100,235,457, C>T on the plus strand (G>A on the coding strand, the complement: DBT is on the minus strand). VCF-style: chr1-100235457-C-T. GRCh37 (hg19) VCF-style: chr1-100701013-C-T.
Other names: c.-314G>A (NM_001399969.1, NM_001399972.1); short protein forms R77K.
Identifiers: ClinVar variation 2171770 (VCV002171770.4), dbSNP rs1327679054, ClinGen allele CA341345324.